The following is an entry in ClinVar:

ClinVar aggregate classification (germline): Uncertain significance (1 of 4 stars; one submission).

gnomAD v4.1: 18 of 765,224 alleles (0.0024%); highest among the groups gnomAD compares: Admixed American, 0.01%; no homozygotes.

Submission:

Labcorp Genetics (formerly Invitae), Labcorp
Classification: Uncertain significance. Last evaluated: 2022-03-26. Review status: criteria provided, single submitter. Criteria: Invitae Variant Classification Sherloc (09022015). Collection method: clinical testing. Allele origin: germline.
Comment: In summary, the available evidence is currently insufficient to determine the role of this variant in disease. Therefore, it has been classified as a Variant of Uncertain Significance. Experimental studies and prediction algorithms are not available or were not evaluated, and the functional significance of this variant is currently unknown. This variant has not been reported in the literature in individuals affected with SNORD118-related conditions. This variant is present in population databases (rs750367625, gnomAD 0.01%). This variant occurs in the SNORD118 gene, which encodes an RNA molecule that does not result in a protein product.

NR_033294.2(SNORD118):n.88G>A

Genes: SNORD118 (small nucleolar RNA, C/D box 118; minus strand), TMEM107 (transmembrane protein 107; minus strand). Cytogenetic location: 17p13.1.
Variant type: single nucleotide variant.
Molecular consequence: non-coding transcript variant (on NR_033294.2). On other transcripts: 3 prime UTR variant (5).
Genome position: GRCh38 VCF-style: chr17-8173501-C-T. GRCh37 (hg19) VCF-style: chr17-8076819-C-T.
Other names: c.*702G>A (NM_001351278.2, NM_001351279.2, NM_001351280.2 and 2 more transcripts).
Identifiers: ClinVar variation 1911128 (VCV001911128.5), dbSNP rs750367625, ClinGen allele CA8370655.